The following is an entry in ClinVar:

ClinVar aggregate classification (germline): Pathogenic/Likely pathogenic. Review status: criteria provided, multiple submitters, no conflicts (2 of 4 stars). 6 submissions from 6 submitters: Pathogenic (2); Likely pathogenic (3). 1 of the submissions does not count toward it. Last evaluated 2025-09-10.

Conditions:
Abnormal brain morphology. Also called: Abnormality of brain morphology. Identifiers: MedGen C4021085, HP:0012443.
Neurodevelopmental disorder with microcephaly, hypotonia, and variable brain anomalies (NMIHBA). Identifiers: Orphanet 544469, MedGen C4479566, MONDO:0060490, OMIM 617481.

Allele frequency attached by ClinVar (database versions not stated): TOPMed below 0.00001.

Submissions (6):

Genomic Medicine Center of Excellence, King Faisal Specialist Hospital and Research Centre
Classification: Likely pathogenic for Neurodevelopmental disorder with microcephaly, hypotonia, and variable brain anomalies. Last evaluated: 2025-09-10. Review status: criteria provided, single submitter. Criteria: ACMG Guidelines, 2015. Collection method: clinical testing. Allele origin: germline.

GeneDx
Classification: Pathogenic. Last evaluated: 2020-10-13. Review status: criteria provided, single submitter. Criteria: GeneDx Variant Classification Process June 2021. Collection method: clinical testing. Allele origin: germline. Affected: yes.
Comment: Published functional studies demonstrate a damaging effect with impaired microtubule polymerization, cell migration, and cell proliferation properties (Zollo et al., 2017); Not observed in large population cohorts (Lek et al., 2016); In silico analysis supports that this missense variant has a deleterious effect on protein structure/function; This variant is associated with the following publications: (PMID: 26539891, 28334956)

CENTOGENE GmbH and LLC - Guiding Precision Medicine
Classification: Likely pathogenic for Neurodevelopmental disorder with microcephaly, hypotonia, and variable brain anomalies. Review status: criteria provided, single submitter. Criteria: ACMG Guidelines, 2015. Collection method: clinical testing. Allele origin: germline. Affected: yes.

Juno Genomics, Hangzhou Juno Genomics, Inc
Classification: Pathogenic for Neurodevelopmental disorder with microcephaly, hypotonia, and variable brain anomalies. Review status: criteria provided, single submitter. Criteria: ACMG Guidelines, 2015. Collection method: clinical testing. Allele origin: germline.
Comment: Absent from controls (or at extremely low frequency if recessive) in Genome Aggregation Database.;Co-segregation with disease in multiple affected family members.;For recessive disorders, detected in trans with a pathogenic variant.;Patient's phenotype or family history is highly specific for a disease with a single genetic etiology.;Well-established in vitro or in vivo functional studies supportive of a damaging effect on the gene or gene product.

Lupski Lab, Baylor-Hopkins CMG, Baylor College of Medicine
Classification: Likely pathogenic for Abnormal brain morphology. Review status: criteria provided, single submitter. Criteria: Karaca et al. (Neuron 2015). Collection method: research. Allele origin: inherited. Inheritance: Autosomal recessive inheritance. Affected: yes.
Comment: There are 3 more families with similar phenotype

OMIM
Classification: Pathogenic for NEURODEVELOPMENTAL DISORDER WITH MICROCEPHALY, HYPOTONIA, AND VARIABLE BRAIN ANOMALIES. Last evaluated: 2017-09-19. Review status: no assertion criteria provided. Collection method: literature only. Allele origin: germline. Not counted in ClinVar's aggregate classification.

Literature cited by the submitters: PubMed 26539891 (cited by OMIM); PubMed 28334956 (cited by OMIM).

NM_021222.3(PRUNE1):c.88G>A (p.Asp30Asn)

Gene: PRUNE1 (prune exopolyphosphatase 1; plus strand). Cytogenetic location: 1q21.3.
Variant type: single nucleotide variant.
Coding change: c.88G>A on transcript NM_021222.3 (MANE Select); coding-DNA position 88, G replaced by A.
Protein change: p.Asp30Asn; replaces aspartic acid 30 with asparagine.
Molecular consequence: missense variant. On other transcripts: 5 prime UTR variant (2), non-coding transcript variant (3).
Genome position (GRCh38, 1-based): chr1:151,017,860, G>A. VCF-style: chr1-151017860-G-A. GRCh37 (hg19) VCF-style: chr1-150990336-G-A.
Other names: c.-256G>A (NM_001303229.2); c.88G>A, p.Asp30Asn (NM_001303242.2); c.-172G>A (NM_001303243.2); short protein forms D30N.
Identifiers: ClinVar variation 384334 (VCV000384334.9), dbSNP rs1057521927, ClinGen allele CA16603435.